The following is an entry in ClinVar:

NM_001005498.4(RHBDF2):c.1851C>T (p.Leu617=)

Gene: RHBDF2 (rhomboid 5 homolog 2; minus strand). Cytogenetic location: 17q25.1.
Variant type: single nucleotide variant.
Coding change: c.1851C>T on transcript NM_001005498.4 (MANE Select); coding-DNA position 1851, C replaced by T.
Protein change: p.Leu617=; no amino-acid change (leucine 617 retained).
Molecular consequence: synonymous variant. On other transcripts: non-coding transcript variant (3).
Genome position (GRCh38, 1-based): chr17:76,473,064, G>A on the plus strand (C>T on the coding strand, the complement: RHBDF2 is on the minus strand). VCF-style: chr17-76473064-G-A. GRCh37 (hg19) VCF-style: chr17-74469146-G-A.
Other names: c.1851C>T, p.Leu617= (NM_001376228.1, NM_001376229.1, NM_001376230.1); c.1938C>T, p.Leu646= (NM_024599.5).
Identifiers: ClinVar variation 2754268 (VCV002754268.3), dbSNP rs2509777060, ClinGen allele CA502067467.
Genomic context (GRCh38, chr17:76,473,064, plus strand): 5'-CCCAGCATGTAGGAAGAGAGACAGCCAGAGCCTGTAGAACTGATCTGGGACCTCAGGGTT[G>A]AGGAAGGGCAGCAGCCCACACACCTTGTCCAAGCAGTGCACCTGGGAGTGGGCATATGGT-3'
Protein context (NP_001005498.2, residues 607-627): LDKVCGLLPF[Leu617=]NPEVPDQFYR

ClinVar aggregate classification (germline): Uncertain significance (1 of 4 stars; one submission).

Submission:

Labcorp Genetics (formerly Invitae), Labcorp
Classification: Uncertain significance. Last evaluated: 2023-08-20. Review status: criteria provided, single submitter. Criteria: Invitae Variant Classification Sherloc (09022015). Collection method: clinical testing. Allele origin: germline.
Comment: This variant has not been reported in the literature in individuals affected with RHBDF2-related conditions. This variant is not present in population databases (gnomAD no frequency). This sequence change affects codon 646 of the RHBDF2 mRNA. It is a 'silent' change, meaning that it does not change the encoded amino acid sequence of the RHBDF2 protein. Algorithms developed to predict the effect of sequence changes on RNA splicing suggest that this variant may disrupt the consensus splice site. In summary, the available evidence is currently insufficient to determine the role of this variant in disease. Therefore, it has been classified as a Variant of Uncertain Significance.